The following is an entry in ClinVar:

NM_001943.5(DSG2):c.1881G>A (p.Leu627=)

Gene: DSG2 (desmoglein 2; plus strand). Cytogenetic location: 18q12.1.
Variant type: single nucleotide variant.
Coding change: c.1881G>A on transcript NM_001943.5 (MANE Select); coding-DNA position 1881, G replaced by A.
Protein change: p.Leu627=; no amino-acid change (leucine 627 retained).
Molecular consequence: synonymous variant.
Genome position (GRCh38, 1-based): chr18:31,541,194, G>A. VCF-style: chr18-31541194-G-A. GRCh37 (hg19) VCF-style: chr18-29121157-G-A.
Identifiers: ClinVar variation 2144992 (VCV002144992.6), dbSNP rs754778907, ClinGen allele CA044173.

ClinVar aggregate classification (germline): Conflicting classifications of pathogenicity. Review status: criteria provided, conflicting classifications (1 of 4 stars). 3 submissions from 3 submitters: Uncertain significance (2); Likely benign (1). Last evaluated 2024-12-27.

Conditions:
Arrhythmogenic right ventricular dysplasia 10. Also called: Arrhythmogenic Right Ventricular Dysplasia/Cardiomyopathy10; Arrhythmogenic right ventricular dysplasia/cardiomyopathy, type 10; ARRHYTHMOGENIC RIGHT VENTRICULAR DYSPLASIA, FAMILIAL, 10. Identifiers: MedGen C1857777, MONDO:0012434, OMIM 610193.
Cardiomyopathy (CMYO). Also called: Cardiomyopathies. Identifiers: Orphanet 167848, MedGen C0878544, MONDO:0004994, HP:0001638. Inheritance: Various modes of inheritance.

Allele frequency attached by ClinVar (database versions not stated): TOPMed below 0.00001; ExAC 0.00001.
gnomAD v4.1: 2 of 1,614,132 alleles (0.00012%); highest among the groups gnomAD compares: Non-Finnish European, 0.00017%; no homozygotes.

Submissions (3):

GeneDx
Classification: Uncertain significance. Last evaluated: 2024-12-27. Review status: criteria provided, single submitter. Criteria: GeneDx Variant Classification Process June 2021. Collection method: clinical testing. Allele origin: germline. Affected: yes.
Comment: Not observed at significant frequency in large population cohorts (gnomAD); Has not been previously published as pathogenic or benign to our knowledge; In silico analysis suggests this variant may impact gene splicing. In the absence of RNA/functional studies, the actual effect of this sequence change is unknown.

Color Diagnostics, LLC DBA Color Health
Classification: Likely benign for Cardiomyopathy. Last evaluated: 2023-07-06. Review status: criteria provided, single submitter. Criteria: ACMG Guidelines, 2015. Collection method: clinical testing. Allele origin: germline.

Labcorp Genetics (formerly Invitae), Labcorp
Classification: Uncertain significance for Arrhythmogenic right ventricular dysplasia 10. Last evaluated: 2022-01-19. Review status: criteria provided, single submitter. Criteria: Invitae Variant Classification Sherloc (09022015). Collection method: clinical testing. Allele origin: germline.
Comment: In summary, the available evidence is currently insufficient to determine the role of this variant in disease. Therefore, it has been classified as a Variant of Uncertain Significance. Algorithms developed to predict the effect of sequence changes on RNA splicing suggest that this variant may create or strengthen a splice site. This variant has not been reported in the literature in individuals affected with DSG2-related conditions. This variant is present in population databases (rs754778907, gnomAD 0.002%). This sequence change affects codon 627 of the DSG2 mRNA. It is a 'silent' change, meaning that it does not change the encoded amino acid sequence of the DSG2 protein.